The following is an entry in ClinVar:

ClinVar aggregate classification (germline): Pathogenic (1 of 4 stars; one submission).

Conditions:
Tuberous sclerosis 2 (TSC2). Identifiers: Orphanet 805, MedGen C1860707, MONDO:0013199, OMIM 613254.

Submission:

Labcorp Genetics (formerly Invitae), Labcorp
Classification: Pathogenic for Tuberous sclerosis 2. Last evaluated: 2025-01-27. Review status: criteria provided, single submitter. Criteria: Invitae Variant Classification Sherloc (09022015). Collection method: clinical testing. Allele origin: germline.
Comment: This sequence change replaces tyrosine, which is neutral and polar, with histidine, which is basic and polar, at codon 1571 of the TSC2 protein (p.Tyr1571His). This variant is not present in population databases (gnomAD no frequency). This missense change has been observed in individual(s) with clinical features of tuberous sclerosis complex (internal data). ClinVar contains an entry for this variant (Variation ID: 535941). Invitae Evidence Modeling of protein sequence and biophysical properties (such as structural, functional, and spatial information, amino acid conservation, physicochemical variation, residue mobility, and thermodynamic stability) indicates that this missense variant is expected to disrupt TSC2 protein function with a positive predictive value of 80%. Experimental studies have shown that this missense change affects TSC2 function (PMID: 11290735, 11521203, 12511557, 14993219, 18230340, 18695678). For these reasons, this variant has been classified as Pathogenic.

Literature cited by the submitters: PubMed 11290735; PubMed 11521203; PubMed 12511557; PubMed 14993219; PubMed 18230340; PubMed 18695678.

NM_000548.5(TSC2):c.4711T>C (p.Tyr1571His)

Gene: TSC2 (TSC complex subunit 2; plus strand). Cytogenetic location: 16p13.3.
Variant type: single nucleotide variant.
Coding change: c.4711T>C on transcript NM_000548.5 (MANE Select); coding-DNA position 4711, T replaced by C.
Protein change: p.Tyr1571His; replaces tyrosine 1571 with histidine.
Molecular consequence: missense variant.
Genome position (GRCh38, 1-based): chr16:2,086,241, T>C. VCF-style: chr16-2086241-T-C. GRCh37 (hg19) VCF-style: chr16-2136242-T-C.
Other names: c.4510T>C, p.Tyr1504His (NM_001077183.3); c.4642T>C, p.Tyr1548His (NM_001114382.3); c.4402T>C, p.Tyr1468His (NM_001318827.2); c.4366T>C, p.Tyr1456His (NM_001318829.2); c.3979T>C, p.Tyr1327His (NM_001318831.2); c.4543T>C, p.Tyr1515His (NM_001318832.2); c.4513T>C, p.Tyr1505His (NM_001363528.2); c.4579T>C, p.Tyr1527His (NM_001370404.1); and 1 more; short protein forms Y1571H, Y1504H, Y1527H, Y1528H, Y1456H, Y1468H, Y1505H, Y1327H.
Identifiers: ClinVar variation 535941 (VCV000535941.8), dbSNP rs397514905, ClinGen allele CA394307381.
Genomic context (GRCh38, chr16:2,086,241, plus strand): 5'-CTCTCCCCACAGAGCAACAGCGAGCTCGCCATCCTGTCCAATGAGCATGGCTCCTACAGG[T>C]ACACGGAGTTCCTGACGGGCCTGGGCCGGCTCATCGAGCTGAAGGACTGCCAGCCGGACA-3'
Protein context (NP_000539.2, residues 1561-1581): ILSNEHGSYR[Tyr1571His]TEFLTGLGRL